The following is an entry in ClinVar:

ClinVar aggregate classification (germline): Uncertain significance. Review status: criteria provided, multiple submitters, no conflicts (2 of 4 stars). 4 submissions from 4 submitters: Uncertain significance (4). Last evaluated 2025-11-20.

Conditions:
Inborn genetic diseases. Identifiers: MedGen C0950123, MeSH D030342.
Luscan-Lumish syndrome. Identifiers: Orphanet 597738, MedGen C4085873, MONDO:0014791, OMIM 616831.

Allele frequency attached by ClinVar (database versions not stated): ExAC 0.00001; TOPMed 0.00002; gnomAD exomes 0.00001.
gnomAD v4.1: 15 of 1,613,398 alleles (0.00093%); highest among the groups gnomAD compares: Middle Eastern, 0.05%; no homozygotes.

Submissions (4):

Ambry Genetics
Classification: Uncertain significance for Inborn genetic diseases. Last evaluated: 2025-11-20. Review status: criteria provided, single submitter. Criteria: Ambry Variant Classification Scheme 2023. Collection method: clinical testing. Allele origin: germline.

Genome-Nilou Lab
Classification: Uncertain significance for Luscan-Lumish syndrome. Last evaluated: 2022-03-15. Review status: criteria provided, single submitter. Criteria: ACMG Guidelines, 2015. Collection method: clinical testing. Allele origin: germline. Affected: no.

Labcorp Genetics (formerly Invitae), Labcorp
Classification: Uncertain significance for Luscan-Lumish syndrome. Last evaluated: 2021-09-02. Review status: criteria provided, single submitter. Criteria: Invitae Variant Classification Sherloc (09022015). Collection method: clinical testing. Allele origin: germline.
Comment: This sequence change replaces isoleucine with threonine at codon 563 of the SETD2 protein (p.Ile563Thr). The isoleucine residue is moderately conserved and there is a moderate physicochemical difference between isoleucine and threonine. This variant is present in population databases (rs202178837, ExAC 0.002%). This variant has not been reported in the literature in individuals affected with SETD2-related conditions. ClinVar contains an entry for this variant (Variation ID: 805406). Algorithms developed to predict the effect of missense changes on protein structure and function output the following: SIFT: "Tolerated"; PolyPhen-2: "Benign"; Align-GVGD: "Class C0". The threonine amino acid residue is found in multiple mammalian species, which suggests that this missense change does not adversely affect protein function. In summary, the available evidence is currently insufficient to determine the role of this variant in disease. Therefore, it has been classified as a Variant of Uncertain Significance.

Athena Diagnostics
Classification: Uncertain significance. Last evaluated: 2018-10-30. Review status: criteria provided, single submitter. Criteria: Athena Diagnostics Criteria. Collection method: clinical testing. Allele origin: germline.

NM_014159.7(SETD2):c.1688T>C (p.Ile563Thr)

Gene: SETD2 (SET domain containing 2, histone lysine methyltransferase; minus strand). Cytogenetic location: 3p21.31.
Variant type: single nucleotide variant.
Coding change: c.1688T>C on transcript NM_014159.7 (MANE Select); coding-DNA position 1688, T replaced by C.
Protein change: p.Ile563Thr; replaces isoleucine 563 with threonine.
Molecular consequence: missense variant. On other transcripts: non-coding transcript variant (1).
Genome position (GRCh38, 1-based): chr3:47,122,948, A>G on the plus strand (T>C on the coding strand, the complement: SETD2 is on the minus strand). VCF-style: chr3-47122948-A-G. GRCh37 (hg19) VCF-style: chr3-47164438-A-G.
Other names: c.1556T>C, p.Ile519Thr (NM_001349370.3); short protein forms I519T, I563T.
Identifiers: ClinVar variation 805406 (VCV000805406.5), dbSNP rs202178837, ClinGen allele CA2363645.